The following is an entry in ClinVar:

ClinVar aggregate classification (germline): Uncertain significance. Review status: criteria provided, multiple submitters, no conflicts (2 of 4 stars). 3 submissions from 3 submitters: Uncertain significance (3). Last evaluated 2025-05-18.

Conditions:
Inborn genetic diseases. Identifiers: MedGen C0950123, MeSH D030342.
Pyruvate carboxylase deficiency. Also called: ATAXIA WITH LACTIC ACIDOSIS II; Pyruvate Carboxylase Deficiency Disease; LEIGH NECROTIZING ENCEPHALOPATHY DUE TO PYRUVATE CARBOXYLASE DEFICIENCY; LEIGH SYNDROME DUE TO PYRUVATE CARBOXYLASE DEFICIENCY; PC DEFICIENCY. Identifiers: Orphanet 3008, MedGen C0034341, MONDO:0009949, OMIM 266150.

gnomAD v4.1: 80 of 1,564,744 alleles (0.0051%); highest among the groups gnomAD compares: Middle Eastern, 0.083%; no homozygotes.

Submissions (3):

Ambry Genetics
Classification: Uncertain significance for Inborn genetic diseases. Last evaluated: 2025-05-18. Review status: criteria provided, single submitter. Criteria: Ambry Variant Classification Scheme 2023. Collection method: clinical testing. Allele origin: germline.

Blueprint Genetics
Classification: Uncertain significance. Last evaluated: 2024-11-06. Review status: criteria provided, single submitter. Criteria: ACMG Guidelines, 2015. Collection method: clinical testing. Allele origin: germline.

Labcorp Genetics (formerly Invitae), Labcorp
Classification: Uncertain significance for Pyruvate carboxylase deficiency. Last evaluated: 2021-12-02. Review status: criteria provided, single submitter. Criteria: Invitae Variant Classification Sherloc (09022015). Collection method: clinical testing. Allele origin: germline.
Comment: This sequence change replaces arginine, which is basic and polar, with histidine, which is basic and polar, at codon 31 of the PC protein (p.Arg31His). This variant is present in population databases (rs779355042, gnomAD 0.008%). This variant has not been reported in the literature in individuals affected with PC-related conditions. Algorithms developed to predict the effect of missense changes on protein structure and function (SIFT, PolyPhen-2, Align-GVGD) all suggest that this variant is likely to be tolerated. In summary, the available evidence is currently insufficient to determine the role of this variant in disease. Therefore, it has been classified as a Variant of Uncertain Significance.

NM_001040716.2(PC):c.92G>A (p.Arg31His)

Gene: PC (pyruvate carboxylase; minus strand). Cytogenetic location: 11q13.2.
Variant type: single nucleotide variant.
Coding change: c.92G>A on transcript NM_001040716.2 (MANE Select); coding-DNA position 92, G replaced by A.
Protein change: p.Arg31His; replaces arginine 31 with histidine.
Molecular consequence: missense variant.
Genome position (GRCh38, 1-based): chr11:66,872,068, C>T on the plus strand (G>A on the coding strand, the complement: PC is on the minus strand). VCF-style: chr11-66872068-C-T. GRCh37 (hg19) VCF-style: chr11-66639539-C-T.
Other names: c.92G>A, p.Arg31His (NM_000920.4, NM_022172.3); short protein forms R31H.
Identifiers: ClinVar variation 2071830 (VCV002071830.4), dbSNP rs779355042, ClinGen allele CA6132303.
Genomic context (GRCh38, chr11:66,872,068, plus strand): 5'-CCCCACTGGTGCTCACCTCTGTTGGCCACCATGACTTTCTTGATGGGCTTATACTCCAGG[C>T]GCCGGACATTTGGGGAGGCAGCGGGGGCGGTGGAGGTTCGGCGGATTCCCAGGAGCCTCA-3'
Protein context (NP_001035806.1, residues 21-41): TAPAASPNVR[Arg31His]LEYKPIKKVM